The following is an entry in ClinVar:

NM_024589.3(ROGDI):c.658G>T (p.Ala220Ser)

Gene: ROGDI (rogdi atypical leucine zipper; minus strand). Cytogenetic location: 16p13.3.
Variant type: single nucleotide variant.
Coding change: c.658G>T on transcript NM_024589.3 (MANE Select); coding-DNA position 658, G replaced by T.
Protein change: p.Ala220Ser; replaces alanine 220 with serine.
Molecular consequence: missense variant. On other transcripts: non-coding transcript variant (1).
Genome position (GRCh38, 1-based): chr16:4,797,975, C>A on the plus strand (G>T on the coding strand, the complement: ROGDI is on the minus strand). VCF-style: chr16-4797975-C-A. GRCh37 (hg19) VCF-style: chr16-4847976-C-A.
Other names: short protein forms A220S.
Identifiers: ClinVar variation 643762 (VCV000643762.11), dbSNP rs546063670, ClinGen allele CA7882567.

ClinVar aggregate classification (germline): Uncertain significance. Review status: criteria provided, multiple submitters, no conflicts (2 of 4 stars). 2 submissions from 2 submitters: Uncertain significance (2). Last evaluated 2022-01-06.

Conditions:
Amelocerebrohypohidrotic syndrome (KTZS). Also called: KOHLSCHUTTER SYNDROME; EPILEPSY AND YELLOW TEETH; EPILEPSY, DEMENTIA, AND AMELOGENESIS IMPERFECTA; Kohlschutter's syndrome. Identifiers: Orphanet 1946, MedGen C0406740, MONDO:0009185, OMIM 226750.

gnomAD v4.1: 36 of 1,607,668 alleles (0.0022%); highest among the groups gnomAD compares: Non-Finnish European, 0.0029%; no homozygotes.

Submissions (2):

Labcorp Genetics (formerly Invitae), Labcorp
Classification: Uncertain significance for Amelocerebrohypohidrotic syndrome. Last evaluated: 2022-01-06. Review status: criteria provided, single submitter. Criteria: Invitae Variant Classification Sherloc (09022015). Collection method: clinical testing. Allele origin: germline.
Comment: This variant has not been reported in the literature in individuals affected with ROGDI-related conditions. In summary, the available evidence is currently insufficient to determine the role of this variant in disease. Therefore, it has been classified as a Variant of Uncertain Significance. Algorithms developed to predict the effect of missense changes on protein structure and function output the following: SIFT: "Tolerated"; PolyPhen-2: "Benign"; Align-GVGD: "Class C0". The serine amino acid residue is found in multiple mammalian species, which suggests that this missense change does not adversely affect protein function. ClinVar contains an entry for this variant (Variation ID: 643762). This variant is present in population databases (rs546063670, gnomAD 0.003%). This sequence change replaces alanine, which is neutral and non-polar, with serine, which is neutral and polar, at codon 220 of the ROGDI protein (p.Ala220Ser).

New York Genome Center
Classification: Uncertain significance for Amelocerebrohypohidrotic syndrome. Last evaluated: 2019-11-14. Review status: criteria provided, single submitter. Criteria: NYGC Assertion Criteria 2020. Collection method: clinical testing. Allele origin: germline. Observed: 1 heterozygote. Study: CSER-NYCKidSeq.